The following is an entry in ClinVar:

NM_001042413.2(GLIS3):c.759C>T (p.Ser253=)

Gene: GLIS3 (GLIS family zinc finger 3; minus strand). Cytogenetic location: 9p24.2.
Variant type: single nucleotide variant.
Coding change: c.759C>T on transcript NM_001042413.2 (MANE Select); coding-DNA position 759, C replaced by T.
Protein change: p.Ser253=; no amino-acid change (serine 253 retained).
Molecular consequence: synonymous variant.
Genome position (GRCh38, 1-based): chr9:4,118,719, G>A on the plus strand (C>T on the coding strand, the complement: GLIS3 is on the minus strand). VCF-style: chr9-4118719-G-A. GRCh37 (hg19) VCF-style: chr9-4118719-G-A.
Other names: c.294C>T, p.Ser98= (NM_152629.4); c.759C>T (NM_001042413.1).
Identifiers: ClinVar variation 2176488 (VCV002176488.7), dbSNP rs368375343, ClinGen allele CA4968425.

ClinVar aggregate classification (germline): Conflicting classifications of pathogenicity. Review status: criteria provided, conflicting classifications (1 of 4 stars). 4 submissions from 4 submitters: Uncertain significance (1); Likely benign (3). Last evaluated 2026-09-01.

Conditions:
GLIS3-related disorder. Also called: GLIS3-related condition.
Neonatal diabetes mellitus with congenital hypothyroidism. Also called: NDH SYNDROME. Identifiers: Orphanet 79118, MedGen C1857775, MONDO:0012436, OMIM 610199.

Allele frequency attached by ClinVar (database versions not stated): ESP Exome Variant Server 0.00015; gnomAD 0.00018.
gnomAD v4.1: 443 of 1,613,948 alleles (0.027%); highest among the groups gnomAD compares: Non-Finnish European, 0.037%; no homozygotes.

Submissions (4):

PreventionGenetics, part of Exact Sciences
Classification: Likely benign for GLIS3-related condition. Last evaluated: 2026-09-01. Review status: criteria provided, single submitter. Criteria: ACMG Guidelines, 2015. Collection method: clinical testing. Allele origin: germline.
Comment: This variant is classified as likely benign based on ACMG/AMP sequence variant interpretation guidelines (Richards et al. 2015 PMID: 25741868, with internal and published modifications).

Blueprint Genetics
Classification: Likely benign. Last evaluated: 2024-11-20. Review status: criteria provided, single submitter. Criteria: ACMG Guidelines, 2015. Collection method: clinical testing. Allele origin: germline.

Fulgent Genetics
Classification: Uncertain significance for Neonatal diabetes mellitus with congenital hypothyroidism. Last evaluated: 2024-04-16. Review status: criteria provided, single submitter. Criteria: ACMG Guidelines, 2015. Collection method: clinical testing. Allele origin: germline.

Labcorp Genetics (formerly Invitae), Labcorp
Classification: Likely benign. Last evaluated: 2024-01-21. Review status: criteria provided, single submitter. Criteria: Invitae Variant Classification Sherloc (09022015). Collection method: clinical testing. Allele origin: germline.